The following is an entry in ClinVar:

ClinVar aggregate classification (germline): Uncertain significance (1 of 4 stars; one submission).

Submission:

Labcorp Genetics (formerly Invitae), Labcorp
Classification: Uncertain significance. Last evaluated: 2024-02-24. Review status: criteria provided, single submitter. Criteria: Invitae Variant Classification Sherloc (09022015). Collection method: clinical testing. Allele origin: germline.
Comment: This sequence change replaces proline, which is neutral and non-polar, with leucine, which is neutral and non-polar, at codon 126 of the C6 protein (p.Pro126Leu). This variant is not present in population databases (gnomAD no frequency). This variant has not been reported in the literature in individuals affected with C6-related conditions. ClinVar contains an entry for this variant (Variation ID: 1488880). Algorithms developed to predict the effect of missense changes on protein structure and function output the following: SIFT: "Not Available"; PolyPhen-2: "Possibly Damaging"; Align-GVGD: "Not Available". The leucine amino acid residue is found in multiple mammalian species, which suggests that this missense change does not adversely affect protein function. In summary, the available evidence is currently insufficient to determine the role of this variant in disease. Therefore, it has been classified as a Variant of Uncertain Significance.

NM_000065.5(C6):c.377C>T (p.Pro126Leu)

Gene: C6 (complement C6; minus strand). Cytogenetic location: 5p13.1.
Variant type: single nucleotide variant.
Coding change: c.377C>T on transcript NM_000065.5 (MANE Select); coding-DNA position 377, C replaced by T.
Protein change: p.Pro126Leu; replaces proline 126 with leucine.
Molecular consequence: missense variant.
Genome position (GRCh38, 1-based): chr5:41,199,836, G>A on the plus strand (C>T on the coding strand, the complement: C6 is on the minus strand). VCF-style: chr5-41199836-G-A. GRCh37 (hg19) VCF-style: chr5-41199938-G-A.
Other names: c.377C>T, p.Pro126Leu (NM_001115131.4); short protein forms P126L.
Identifiers: ClinVar variation 1488880 (VCV001488880.8), dbSNP rs2150362123, ClinGen allele CA359604659.